The following is an entry in ClinVar:

ClinVar aggregate classification (germline): Uncertain significance (1 of 4 stars; one submission).

Submission:

Labcorp Genetics (formerly Invitae), Labcorp
Classification: Uncertain significance. Last evaluated: 2022-05-21. Review status: criteria provided, single submitter. Criteria: Invitae Variant Classification Sherloc (09022015). Collection method: clinical testing. Allele origin: germline.
Comment: In summary, the available evidence is currently insufficient to determine the role of this variant in disease. Therefore, it has been classified as a Variant of Uncertain Significance. Experimental studies and prediction algorithms are not available or were not evaluated, and the functional significance of this variant is currently unknown. This variant has not been reported in the literature in individuals affected with SPTB-related conditions. Information on the frequency of this variant in the gnomAD database is not available, as this variant may be reported differently in the database. This sequence change replaces alanine, which is neutral and non-polar, with serine, which is neutral and polar, at codon 1236 of the SPTB protein (p.Ala1236Ser).

NM_001355436.2(SPTB):c.3705_3706delinsGT (p.Ala1236Ser)

Gene: SPTB (spectrin beta, erythrocytic; minus strand). Cytogenetic location: 14q23.3.
Variant type: Indel.
Coding change: c.3705_3706delinsGT on transcript NM_001355436.2 (MANE Select); coding-DNA positions 3705 to 3706, AG replaced by GT.
Protein change: p.Ala1236Ser; replaces alanine 1236 with serine.
Molecular consequence: missense variant.
Genome position (GRCh38, 1-based): chr14:64,785,807-64,785,808, CT replaced by AC on the plus strand (AG replaced by GT on the coding strand, the reverse complement: SPTB is on the minus strand). VCF-style: chr14-64785807-CT-AC. GRCh37 (hg19) VCF-style: chr14-65252525-CT-AC.
Other names: c.3705_3706delinsGT, p.Ala1236Ser (NM_001024858.4, NM_001355437.2); short protein forms A1236S.
Identifiers: ClinVar variation 1997436 (VCV001997436.4), dbSNP rs2503121768, ClinGen allele CA2580088367.